The following is an entry in ClinVar:

NM_000090.4(COL3A1):c.2187A>G (p.Gly729=)

Gene: COL3A1 (collagen type III alpha 1 chain; plus strand). Cytogenetic location: 2q32.2.
Variant type: single nucleotide variant.
Coding change: c.2187A>G on transcript NM_000090.4 (MANE Select); coding-DNA position 2187, A replaced by G.
Protein change: p.Gly729=; no amino-acid change (glycine 729 retained).
Molecular consequence: synonymous variant.
Genome position (GRCh38, 1-based): chr2:188,999,535, A>G. VCF-style: chr2-188999535-A-G. GRCh37 (hg19) VCF-style: chr2-189864261-A-G.
Identifiers: ClinVar variation 926332 (VCV000926332.14), dbSNP rs772997837, ClinGen allele CA075059.
Genomic context (GRCh38, chr2:188,999,535, plus strand): 5'-TGCTGGTCCTCCTGGGCCACCTGGTGCTGCTGGTACTCCTGGTCTGCAAGGAATGCCTGG[A>G]GAAAGAGGAGGTCTTGGAAGTCCTGGTCCAAAGGGTGACAAGGTGTTGACTTGTTTTCTC-3'
Protein context (NP_000081.2, residues 719-739): AGTPGLQGMP[Gly729=]ERGGLGSPGP

ClinVar aggregate classification (germline): Likely benign. Review status: criteria provided, multiple submitters, no conflicts (2 of 4 stars). 5 submissions from 5 submitters: Likely benign (5). Last evaluated 2025-12-20.

Conditions:
Ehlers-Danlos syndrome, type 4 (EDSVASC). Also called: Ehlers-Danlos syndrome vascular type; Ehlers Danlos syndrome, ecchymotic type; Ehlers Danlos syndrome, arterial type; Ehlers Danlos syndrome, Sack-Barabas type; Ehlers-Danlos Syndrome Type IV. Identifiers: Orphanet 286, MedGen C0268338, MONDO:0017314, OMIM 130050.
Familial thoracic aortic aneurysm and aortic dissection (TAAD). Also called: Thoracic aortic aneurysms and dissections. Identifiers: Orphanet 91387, MedGen C4707243, MONDO:0019625.

Allele frequency attached by ClinVar (database versions not stated): TOPMed 0.00001; gnomAD exomes 0.00002; ExAC 0.00005.
gnomAD v4.1: 24 of 1,613,836 alleles (0.0015%); highest among the groups gnomAD compares: Non-Finnish European, 0.0019%; no homozygotes.

Submissions (5):

Labcorp Genetics (formerly Invitae), Labcorp
Classification: Likely benign for Ehlers-Danlos syndrome, type 4. Last evaluated: 2025-12-20. Review status: criteria provided, single submitter. Criteria: Invitae Variant Classification Sherloc (09022015). Collection method: clinical testing. Allele origin: germline.

Molecular Diagnostic Laboratory for Inherited Cardiovascular Disease, Montreal Heart Institute
Classification: Likely benign. Last evaluated: 2025-04-09. Review status: criteria provided, single submitter. Criteria: ACMG Guidelines, 2015. Collection method: clinical testing. Allele origin: germline. Affected: no.

Ambry Genetics
Classification: Likely benign for Familial thoracic aortic aneurysm and aortic dissection. Last evaluated: 2025-01-11. Review status: criteria provided, single submitter. Criteria: Ambry Variant Classification Scheme 2023. Collection method: clinical testing. Allele origin: germline.

All of Us Research Program, National Institutes of Health
Classification: Likely benign for Ehlers-Danlos syndrome, type 4. Last evaluated: 2024-01-03. Review status: criteria provided, single submitter. Criteria: ACMG Guidelines, 2015. Collection method: clinical testing. Allele origin: germline. Inheritance: Autosomal dominant inheritance. Observed: 7 variant alleles, 7 heterozygotes.
Comment: This study involves interpretation of variants in research participants for the purpose of population health screening. Participant phenotype was not available at the time of variant classification. Additional details can be found in publication PMID: 35346344, PMCID: PMC8962531

Color Diagnostics, LLC DBA Color Health
Classification: Likely benign for Familial thoracic aortic aneurysm and aortic dissection. Last evaluated: 2020-03-17. Review status: criteria provided, single submitter. Criteria: ACMG Guidelines, 2015. Collection method: clinical testing. Allele origin: germline.